The following is an entry in ClinVar:

NM_003924.4(PHOX2B):c.188G>T (p.Gly63Val)

Genes: PHOX2B-AS1 (PHOX2B antisense RNA 1; plus strand), PHOX2B (paired like homeobox 2B; minus strand). Cytogenetic location: 4p13.
Variant type: single nucleotide variant.
Coding change: c.188G>T on transcript NM_003924.4 (MANE Select); coding-DNA position 188, G replaced by T.
Protein change: p.Gly63Val; replaces glycine 63 with valine.
Molecular consequence: missense variant.
Genome position (GRCh38, 1-based): chr4:41,748,423, C>A on the plus strand (G>T on the coding strand, the complement: PHOX2B is on the minus strand). VCF-style: chr4-41748423-C-A. GRCh37 (hg19) VCF-style: chr4-41750440-C-A.
Other names: short protein forms G63V.
Identifiers: ClinVar variation 1319145 (VCV001319145.4), dbSNP rs2153113046, ClinGen allele CA356740893.

ClinVar aggregate classification (germline): Uncertain significance. Review status: criteria provided, multiple submitters, no conflicts (2 of 4 stars). 2 submissions from 2 submitters: Uncertain significance (2). Last evaluated 2023-08-02.

Conditions:
Hereditary cancer-predisposing syndrome. Also called: Hereditary neoplastic syndrome; Neoplastic Syndromes, Hereditary; Tumor predisposition; Hereditary Cancer Syndrome. Identifiers: Orphanet 140162, MedGen C0027672, MeSH D009386, MONDO:0015356.

gnomAD v4.1: 1 of 1,614,128 alleles (0.000062%); highest among the groups gnomAD compares: Non-Finnish European, 0.000085%; no homozygotes.

Submissions (2):

Ambry Genetics
Classification: Uncertain significance for Hereditary cancer-predisposing syndrome. Last evaluated: 2023-08-02. Review status: criteria provided, single submitter. Criteria: Ambry Variant Classification Scheme 2023. Collection method: clinical testing. Allele origin: germline.
Comment: The p.G63V variant (also known as c.188G>T), located in coding exon 1 of the PHOX2B gene, results from a G to T substitution at nucleotide position 188. The glycine at codon 63 is replaced by valine, an amino acid with dissimilar properties. This amino acid position is conserved. In addition, this alteration is predicted to be deleterious by in silico analysis. Since supporting evidence is limited at this time, the clinical significance of this alteration remains unclear.

Institute for Clinical Genetics, University Hospital TU Dresden, University Hospital TU Dresden
Classification: Uncertain significance. Last evaluated: 2021-11-03. Review status: criteria provided, single submitter. Criteria: ACMG Guidelines, 2015. Collection method: clinical testing. Allele origin: germline.